The following is an entry in ClinVar:

NM_006136.3(CAPZA2):c.27TGA[1] (p.Asp10del)

Gene: CAPZA2 (capping actin protein of muscle Z-line subunit alpha 2; plus strand). Cytogenetic location: 7q31.2.
Variant type: Microsatellite.
Coding change: c.27TGA[1] on transcript NM_006136.3 (MANE Select); one copy of the 3-base unit TGA starting at c.27; the reference has two copies in a row; one copy, 3 bases deleted.
Protein change: p.Asp10del; deletes aspartic acid 10.
Molecular consequence: inframe deletion.
Genome position (GRCh38, 1-based): chr7:116,862,641-116,862,643, TGA deleted; deleting any 3 consecutive bases within chr7:116,862,638-116,862,643 gives the same sequence; the position shown is the placement nearest the transcript's 3' end. VCF-style (leftmost placement, unchanged base first): chr7-116862637-CTGA-C. GRCh37 (hg19) VCF-style: chr7-116502691-CTGA-C.
Other names: short protein forms D10del.
Identifiers: ClinVar variation 4086760 (VCV004086760.1).

ClinVar aggregate classification (germline): Uncertain significance (1 of 4 stars; one submission).

Submission:

GeneDx
Classification: Uncertain significance. Last evaluated: 2025-03-17. Review status: criteria provided, single submitter. Criteria: GeneDx Variant Classification Process June 2021. Collection method: clinical testing. Allele origin: germline. Affected: yes.
Comment: In-frame deletion of 1 amino acid(s) in a non-repeat region; Not observed at significant frequency in large population cohorts (gnomAD); In silico analysis supports a deleterious effect on protein structure/function; Has not been previously published as pathogenic or benign to our knowledge